The following is an entry in ClinVar:

NM_014112.5(TRPS1):c.550C>T (p.Gln184Ter)

Gene: TRPS1 (transcriptional repressor GATA binding 1; minus strand). Cytogenetic location: 8q23.3.
Variant type: single nucleotide variant.
Coding change: c.550C>T on transcript NM_014112.5 (MANE Select); coding-DNA position 550, C replaced by T.
Protein change: p.Gln184Ter; replaces glutamine 184 with a stop codon.
Molecular consequence: nonsense.
Genome position (GRCh38, 1-based): chr8:115,619,548, G>A on the plus strand (C>T on the coding strand, the complement: TRPS1 is on the minus strand). VCF-style: chr8-115619548-G-A. GRCh37 (hg19) VCF-style: chr8-116631775-G-A.
Other names: NP_054831.2:p.(Gln184Ter); c.523C>T, p.Gln175Ter (NM_001282902.3); c.529C>T, p.Gln177Ter (NM_001282903.3); c.511C>T, p.Gln171Ter (NM_001330599.2); short protein forms Q171*, Q175*, Q177*, Q184*.
Identifiers: ClinVar variation 4820020 (VCV004820020.1).

ClinVar aggregate classification (germline): Likely pathogenic (1 of 4 stars; one submission).

Conditions:
Trichorhinophalangeal dysplasia type I (TRPS1). Also called: TRPS I; TRICHORHINOPHALANGEAL SYNDROME, TYPE I. Identifiers: Orphanet 77258, MedGen C0432233, MONDO:0008596, OMIM 190350.

Submission:

Laboratorio de Genomica, Unidad de Medicina Traslacional, Hospital de Ninos R. Gutierrez
Classification: Likely pathogenic for Trichorhinophalangeal dysplasia type I. Last evaluated: 2026-04-07. Review status: criteria provided, single submitter. Criteria: Institutional Variant Interpretation Framework ClinVar UMT Version 1. Collection method: clinical testing. Allele origin: germline. Affected: yes. Observed: 1 variant allele.
Comment: TRPS1 encodes a nuclear transcription factor belonging to the GATA-type family of zinc-finger proteins. It functions predominantly as a transcriptional regulator, acting as a repressor of target genes involved in chondrogenesis, endochondral bone formation, and hair follicle biology and playing a critical role in craniofacial, skeletal, and hair development. ClinGen Dosage Sensitivity WG has established that there is enough evidence supporting TRPS1 haploinsufficiency as a mechanism of disease for trichorhinophalangeal syndrome type I (MONDO:0008596, OMIM #190350). The TRPS1 variant NM_014112.5:c.550C>T results in the substitution of a cytosine with a thymine at coding position 550 in TRPS1, introducing a premature termination codon at amino acid position 184. This change is predicted to cause mRNA degaradation by nonsense mediated decay (AutoPVS1). Alternatively, if mARN was not degraded, the truncated protein would lack most of the Zinc finger domains essential for TRPS1 to act as transcriptional factor (PVS1). This variant has not been previously reported in databases (absent in GnomAD, ClinVar, dbSNP, LOVD, HGMD) or the literature (PM2_supp). In summary, the available evidence supports the classification of this variant as Probably pathogenic (PM2_supporting, PVS1) according to ACMG criteria and the recommendations of the ClinGen Sequence Variant Interpretation Working Group (SVI WG).